The following is an entry in ClinVar:

NM_006059.4(LAMC3):c.3085G>T (p.Ala1029Ser)

Gene: LAMC3 (laminin subunit gamma 3; plus strand). Cytogenetic location: 9q34.12.
Variant type: single nucleotide variant.
Coding change: c.3085G>T on transcript NM_006059.4 (MANE Select); coding-DNA position 3085, G replaced by T.
Protein change: p.Ala1029Ser; replaces alanine 1029 with serine.
Molecular consequence: missense variant.
Genome position (GRCh38, 1-based): chr9:131,071,499, G>T. VCF-style: chr9-131071499-G-T. GRCh37 (hg19) VCF-style: chr9-133946886-G-T.
Other names: short protein forms A1029S.
Identifiers: ClinVar variation 1978062 (VCV001978062.5), dbSNP rs766572763, ClinGen allele CA5287675.

ClinVar aggregate classification (germline): Uncertain significance (1 of 4 stars; one submission).

Allele frequency attached by ClinVar (database versions not stated): gnomAD 0.00001; ExAC 0.00002.
gnomAD v4.1: 5 of 1,613,772 alleles (0.00031%); highest among the groups gnomAD compares: African/African-American, 0.0053%; no homozygotes.

Submission:

Labcorp Genetics (formerly Invitae), Labcorp
Classification: Uncertain significance. Last evaluated: 2022-09-01. Review status: criteria provided, single submitter. Criteria: Invitae Variant Classification Sherloc (09022015). Collection method: clinical testing. Allele origin: germline.
Comment: In summary, the available evidence is currently insufficient to determine the role of this variant in disease. Therefore, it has been classified as a Variant of Uncertain Significance. Algorithms developed to predict the effect of missense changes on protein structure and function (SIFT, PolyPhen-2, Align-GVGD) all suggest that this variant is likely to be tolerated. This variant has not been reported in the literature in individuals affected with LAMC3-related conditions. This variant is present in population databases (rs766572763, gnomAD 0.007%). This sequence change replaces alanine, which is neutral and non-polar, with serine, which is neutral and polar, at codon 1029 of the LAMC3 protein (p.Ala1029Ser).